The following is an entry in ClinVar:

ClinVar aggregate classification (germline): Uncertain significance (1 of 4 stars; one submission).

Conditions:
Zellweger spectrum disorders (ZS). Also called: Zellweger Spectrum Disorder; Zellweger Spectrum; Zellweger syndrome; Zellweger Spectrum Disorder (ZSD). Identifiers: Orphanet 912, MedGen C0043459, MONDO:0019609.

Allele frequency attached by ClinVar (database versions not stated): gnomAD exomes below 0.00001.
gnomAD v4.1: 1 of 1,598,722 alleles (0.000063%); highest among the groups gnomAD compares: Non-Finnish European, 0.000086%; no homozygotes.

Submission:

Labcorp Genetics (formerly Invitae), Labcorp
Classification: Uncertain significance for Zellweger spectrum disorders. Last evaluated: 2023-07-17. Review status: criteria provided, single submitter. Criteria: Invitae Variant Classification Sherloc (09022015). Collection method: clinical testing. Allele origin: germline.
Comment: This sequence change replaces asparagine, which is neutral and polar, with histidine, which is basic and polar, at codon 452 of the PEX1 protein (p.Asn452His). This variant is not present in population databases (gnomAD no frequency). In summary, the available evidence is currently insufficient to determine the role of this variant in disease. Therefore, it has been classified as a Variant of Uncertain Significance. Advanced modeling of protein sequence and biophysical properties (such as structural, functional, and spatial information, amino acid conservation, physicochemical variation, residue mobility, and thermodynamic stability) performed at Invitae indicates that this missense variant is not expected to disrupt PEX1 protein function. ClinVar contains an entry for this variant (Variation ID: 1429489). This variant has not been reported in the literature in individuals affected with PEX1-related conditions.

NM_000466.3(PEX1):c.1354A>C (p.Asn452His)

Gene: PEX1 (peroxisomal biogenesis factor 1; minus strand). Cytogenetic location: 7q21.2.
Variant type: single nucleotide variant.
Coding change: c.1354A>C on transcript NM_000466.3 (MANE Select); coding-DNA position 1354, A replaced by C.
Protein change: p.Asn452His; replaces asparagine 452 with histidine.
Molecular consequence: missense variant.
Genome position (GRCh38, 1-based): chr7:92,513,853, T>G on the plus strand (A>C on the coding strand, the complement: PEX1 is on the minus strand). VCF-style: chr7-92513853-T-G. GRCh37 (hg19) VCF-style: chr7-92143167-T-G.
Other names: c.1354A>C, p.Asn452His (NM_001282677.2); c.730A>C, p.Asn244His (NM_001282678.2); short protein forms N244H, N452H.
Identifiers: ClinVar variation 1429489 (VCV001429489.8), dbSNP rs2116220996, ClinGen allele CA368192318.